The following is an entry in ClinVar:

ClinVar aggregate classification (germline): Uncertain significance (1 of 4 stars; one submission).

Allele frequency attached by ClinVar (database versions not stated): gnomAD exomes below 0.00001.
gnomAD v4.1: 3 of 1,614,122 alleles (0.00019%); highest among the groups gnomAD compares: Non-Finnish European, 0.00025%; no homozygotes.

Submission:

CeGaT Center for Human Genetics Tuebingen
Classification: Uncertain significance. Last evaluated: 2022-11-01. Review status: criteria provided, single submitter. Criteria: CeGaT Center For Human Genetics Tuebingen Variant Classification Criteria Version 2. Collection method: clinical testing. Allele origin: germline. Affected: yes. Observed: 1 variant allele.
Comment: SPTBN2: PM2, BP4

NM_006946.4(SPTBN2):c.3719C>T (p.Ser1240Phe)

Gene: SPTBN2 (spectrin beta, non-erythrocytic 2; minus strand). Cytogenetic location: 11q13.2.
Variant type: single nucleotide variant.
Coding change: c.3719C>T on transcript NM_006946.4 (MANE Select); coding-DNA position 3719, C replaced by T.
Protein change: p.Ser1240Phe; replaces serine 1240 with phenylalanine.
Molecular consequence: missense variant.
Genome position (GRCh38, 1-based): chr11:66,699,463, G>A on the plus strand (C>T on the coding strand, the complement: SPTBN2 is on the minus strand). VCF-style: chr11-66699463-G-A. GRCh37 (hg19) VCF-style: chr11-66466934-G-A.
Other names: c.3740C>T, p.Ser1247Phe (NM_001411025.1); short protein forms S1240F, S1247F.
Identifiers: ClinVar variation 1879207 (VCV001879207.29), dbSNP rs1051562696, ClinGen allele CA224082860.